The following is an entry in ClinVar:

NM_000222.3(KIT):c.2673C>G (p.Ser891Arg)

Gene: KIT (KIT proto-oncogene, receptor tyrosine kinase; plus strand). Cytogenetic location: 4q12.
Variant type: single nucleotide variant.
Coding change: c.2673C>G on transcript NM_000222.3 (MANE Select); coding-DNA position 2673, C replaced by G.
Protein change: p.Ser891Arg; replaces serine 891 with arginine.
Molecular consequence: missense variant.
Genome position (GRCh38, 1-based): chr4:54,736,797, C>G. VCF-style: chr4-54736797-C-G. GRCh37 (hg19) VCF-style: chr4-55602963-C-G.
Other names: c.2661C>G, p.Ser887Arg (NM_001093772.2, NM_001385292.1); c.2676C>G, p.Ser892Arg (NM_001385284.1); c.2670C>G, p.Ser890Arg (NM_001385285.1); c.2658C>G, p.Ser886Arg (NM_001385286.1); c.2664C>G, p.Ser888Arg (NM_001385288.1); c.2673C>G, p.Ser891Arg (NM_001385290.1); short protein forms S886R, S891R, S890R, S887R, S888R, S892R.
Identifiers: ClinVar variation 4726913 (VCV004726913.1).

ClinVar aggregate classification (germline): Uncertain significance (1 of 4 stars; one submission).

Conditions:
Gastrointestinal stromal tumor. Also called: Gastrointestinal stromal tumor, somatic; Gastrointestinal stroma tumor. Identifiers: Orphanet 44890, MedGen C0238198, MeSH D046152, MONDO:0011719, OMIM 606764, HP:0100723.

Submission:

Labcorp Genetics (formerly Invitae), Labcorp
Classification: Uncertain significance for Gastrointestinal stromal tumor. Last evaluated: 2025-09-10. Review status: criteria provided, single submitter. Criteria: Invitae Variant Classification Sherloc (09022015). Collection method: clinical testing. Allele origin: germline.
Comment: This sequence change replaces serine, which is neutral and polar, with arginine, which is basic and polar, at codon 891 of the KIT protein (p.Ser891Arg). This variant is not present in population databases (gnomAD no frequency). This variant has not been reported in the literature in individuals affected with KIT-related conditions. An algorithm developed to predict the effect of missense changes on protein structure and function (PolyPhen-2) suggests that this variant is likely to be disruptive. In summary, the available evidence is currently insufficient to determine the role of this variant in disease. Therefore, it has been classified as a Variant of Uncertain Significance.